The following is an entry in ClinVar:

ClinVar aggregate classification (germline): Conflicting classifications of pathogenicity. Review status: criteria provided, conflicting classifications (1 of 4 stars). 4 submissions from 4 submitters: Uncertain significance (3); Likely benign (1). Last evaluated 2025-03-25.

Conditions:
Hereditary cancer-predisposing syndrome. Also called: Neoplastic Syndromes, Hereditary; Tumor predisposition; Hereditary neoplastic syndrome; Hereditary Cancer Syndrome. Identifiers: Orphanet 140162, MedGen C0027672, MeSH D009386, MONDO:0015356.
Hereditary breast ovarian cancer syndrome. Also called: Hereditary breast and ovarian cancer syndrome; Hereditary breast and ovarian cancer; Hereditary breast and ovarian cancer syndrome (HBOC); Breast and ovarian cancer; Hereditary breast and/or ovarian cancer syndrome; BRCA1- and BRCA2-Associated Hereditary Breast and Ovarian Cancer. Identifiers: Orphanet 145, MedGen C0677776, MeSH D061325, MONDO:0003582. Disease mechanism: loss of function.

Submissions (4):

Color Diagnostics, LLC DBA Color Health
Classification: Uncertain significance for Hereditary cancer-predisposing syndrome. Last evaluated: 2025-03-25. Review status: criteria provided, single submitter. Criteria: ACMG Guidelines, 2015. Collection method: clinical testing. Allele origin: germline.
Comment: This missense variant replaces isoleucine with phenylalanine at codon 2068 of the BRCA2 protein. Computational prediction suggests that this variant may not impact protein structure and function (internally defined REVEL score threshold <= 0.5, PMID: 27666373). To our knowledge, functional studies have not been reported for this variant. This variant has not been reported in individuals affected with BRCA2-related disorders in the literature. This variant has not been identified in the general population by the Genome Aggregation Database (gnomAD). The available evidence is insufficient to determine the role of this variant in disease conclusively. Therefore, this variant is classified as a Variant of Uncertain Significance.

Ambry Genetics
Classification: Uncertain significance for Hereditary cancer-predisposing syndrome. Last evaluated: 2025-01-21. Review status: criteria provided, single submitter. Criteria: Ambry Variant Classification Scheme 2023. Collection method: clinical testing. Allele origin: germline.
Comment: The p.I2068F variant (also known as c.6202A>T), located in coding exon 10 of the BRCA2 gene, results from an A to T substitution at nucleotide position 6202. The isoleucine at codon 2068 is replaced by phenylalanine, an amino acid with highly similar properties. This amino acid position is not well conserved in available vertebrate species. In addition, this alteration is predicted to be tolerated by in silico analysis. Based on the available evidence, the clinical significance of this variant remains unclear.

University of Washington Department of Laboratory Medicine, University of Washington
Classification: Likely benign for Hereditary cancer-predisposing syndrome. Last evaluated: 2023-03-23. Review status: criteria provided, single submitter. Criteria: Dines et al. (Genet Med. 2020). Collection method: curation. Allele origin: germline.
Comment: Missense variant in a coldspot region where missense variants are very unlikely to be pathogenic (PMID:31911673).

BRCA2 exon 11 coldspot. Reclassification based on statistical prior probability.

Labcorp Genetics (formerly Invitae), Labcorp
Classification: Uncertain significance for Hereditary breast ovarian cancer syndrome. Last evaluated: 2018-07-15. Review status: criteria provided, single submitter. Criteria: Invitae Variant Classification Sherloc (09022015). Collection method: clinical testing. Allele origin: germline.
Comment: This variant has not been reported in the literature in individuals with BRCA2-related disease. This variant is not present in population databases (ExAC no frequency). This sequence change replaces isoleucine with phenylalanine at codon 2068 of the BRCA2 protein (p.Ile2068Phe). The isoleucine residue is moderately conserved and there is a small physicochemical difference between isoleucine and phenylalanine. Algorithms developed to predict the effect of missense changes on protein structure and function are either unavailable or do not agree on the potential impact of this missense change (SIFT: "Deleterious"; PolyPhen-2: "Possibly Damaging"; Align-GVGD: "Class C0"). In summary, the available evidence is currently insufficient to determine the role of this variant in disease. Therefore, it has been classified as a Variant of Uncertain Significance.

NM_000059.4(BRCA2):c.6202A>T (p.Ile2068Phe)

Gene: BRCA2 (BRCA2 DNA repair associated; plus strand). Cytogenetic location: 13q13.1.
Variant type: single nucleotide variant.
Coding change: c.6202A>T on transcript NM_000059.4 (MANE Select); coding-DNA position 6202, A replaced by T.
Protein change: p.Ile2068Phe; replaces isoleucine 2068 with phenylalanine.
Molecular consequence: missense variant.
Genome position (GRCh38, 1-based): chr13:32,340,557, A>T. VCF-style: chr13-32340557-A-T. GRCh37 (hg19) VCF-style: chr13-32914694-A-T.
Other names: short protein forms I2068F.
Identifiers: ClinVar variation 628498 (VCV000628498.15), dbSNP rs755523944, ClinGen allele CA387788837.